The following is an entry in ClinVar:

NM_001625.4(AK2):c.642G>A (p.Gln214=)

Gene: AK2 (adenylate kinase 2; minus strand). Cytogenetic location: 1p35.1.
Variant type: single nucleotide variant.
Coding change: c.642G>A on transcript NM_001625.4 (MANE Select); coding-DNA position 642, G replaced by A.
Protein change: p.Gln214=; no amino-acid change (glutamine 214 retained).
Molecular consequence: synonymous variant. On other transcripts: 3 prime UTR variant (1), non-coding transcript variant (1).
Genome position (GRCh38, 1-based): chr1:33,013,259, C>T on the plus strand (G>A on the coding strand, the complement: AK2 is on the minus strand). VCF-style: chr1-33013259-C-T. GRCh37 (hg19) VCF-style: chr1-33478860-C-T.
Other names: p.Gln214=; c.618G>A, p.Gln206= (NM_001199199.3); c.498G>A, p.Gln166= (NM_001319139.3, NM_001319140.2); c.642G>A, p.Gln214= (NM_001319141.3, NM_013411.5); c.516G>A, p.Gln172= (NM_001319142.3); c.*145G>A (NM_001319143.2).
Identifiers: ClinVar variation 738543 (VCV000738543.13), dbSNP rs149659319, ClinGen allele CA747044.

ClinVar aggregate classification (germline): Benign/Likely benign. Review status: criteria provided, multiple submitters, no conflicts (2 of 4 stars). 3 submissions from 3 submitters: Benign (1); Likely benign (2). Last evaluated 2025-12-02.

Conditions:
Reticular dysgenesis. Also called: ALEUKOCYTOSIS; CONGENITAL ALEUKIA; HEMATOPOIETIC HYPOPLASIA, GENERALIZED; RETICULAR DYSGENESIA; SEVERE COMBINED IMMUNODEFICIENCY WITH LEUKOPENIA; DeVaal disease. Identifiers: Orphanet 33355, MedGen C0272167, MONDO:0009973, OMIM 267500.

Allele frequency attached by ClinVar (database versions not stated): 1000 Genomes Project 30x 0.00016; 1000 Genomes Project 0.00020; ESP Exome Variant Server 0.00046; gnomAD exomes 0.00061 and 0.00074; ExAC 0.00083; gnomAD 0.00095 and 0.00099.
gnomAD v4.1: 1,026 of 1,613,786 alleles (0.064%); highest among the groups gnomAD compares: Non-Finnish European, 0.066%; no homozygotes.

Submissions (3):

Mayo Clinic Laboratories, Mayo Clinic
Classification: Likely benign. Last evaluated: 2025-12-02. Review status: criteria provided, single submitter. Criteria: ACMG Guidelines, 2015. Collection method: clinical testing. Allele origin: germline. Observed: 3 variant alleles.
Comment: BS1, BP4, BP7

Labcorp Genetics (formerly Invitae), Labcorp
Classification: Benign for Reticular dysgenesis. Last evaluated: 2025-03-18. Review status: criteria provided, single submitter. Criteria: Invitae Variant Classification Sherloc (09022015). Collection method: clinical testing. Allele origin: germline.

Blueprint Genetics
Classification: Likely benign. Last evaluated: 2024-11-25. Review status: criteria provided, single submitter. Criteria: ACMG Guidelines, 2015. Collection method: clinical testing. Allele origin: germline.